The following is an entry in ClinVar:

ClinVar aggregate classification (germline): Conflicting classifications of pathogenicity. Review status: criteria provided, conflicting classifications (1 of 4 stars). 4 submissions from 4 submitters: Uncertain significance (1); Likely benign (1). 2 of the submissions do not count toward it. Last evaluated 2024-02-29.

Conditions:
MED17-related disorder. Also called: MED17-related condition.
Infantile cerebral and cerebellar atrophy with postnatal progressive microcephaly (MSBA). Identifiers: Orphanet 402364, MedGen C3150921, MONDO:0013351, OMIM 613668.

Allele frequency attached by ClinVar (database versions not stated): gnomAD 0.00001 and 0.00007; TOPMed 0.00003; gnomAD exomes 0.00013 and 0.00028; ExAC 0.00026; 1000 Genomes Project 30x 0.00047; 1000 Genomes Project 0.00060.
gnomAD v4.1: 197 of 1,614,114 alleles (0.012%); highest among the groups gnomAD compares: South Asian, 0.2%; 1 homozygote.

Submissions (4):

Labcorp Genetics (formerly Invitae), Labcorp
Classification: Likely benign. Last evaluated: 2024-02-29. Review status: criteria provided, single submitter. Criteria: Invitae Variant Classification Sherloc (09022015). Collection method: clinical testing. Allele origin: germline.

Fulgent Genetics
Classification: Uncertain significance for Infantile cerebral and cerebellar atrophy with postnatal progressive microcephaly. Last evaluated: 2024-01-24. Review status: criteria provided, single submitter. Criteria: ACMG Guidelines, 2015. Collection method: clinical testing. Allele origin: germline.

PreventionGenetics, part of Exact Sciences
Classification: Likely benign for MED17-related condition. Last evaluated: 2022-11-19. Review status: no assertion criteria provided. Collection method: clinical testing. Allele origin: germline. Not counted in ClinVar's aggregate classification.
Comment: This variant is classified as likely benign based on ACMG/AMP sequence variant interpretation guidelines (Richards et al. 2015 PMID: 25741868, with internal and published modifications).

Natera, Inc.
Classification: Uncertain significance for Postnatal progressive microcephaly with seizures and brain atrophy. Last evaluated: 2020-04-17. Review status: no assertion criteria provided. Collection method: clinical testing. Allele origin: germline. Not counted in ClinVar's aggregate classification.

NM_004268.5(MED17):c.1868A>G (p.Lys623Arg)

Gene: MED17 (mediator complex subunit 17; plus strand). Cytogenetic location: 11q21.
Variant type: single nucleotide variant.
Coding change: c.1868A>G on transcript NM_004268.5 (MANE Select); coding-DNA position 1868, A replaced by G.
Protein change: p.Lys623Arg; replaces lysine 623 with arginine.
Molecular consequence: missense variant.
Genome position (GRCh38, 1-based): chr11:93,811,976, A>G. VCF-style: chr11-93811976-A-G. GRCh37 (hg19) VCF-style: chr11-93545142-A-G.
Other names: short protein forms K623R.
Identifiers: ClinVar variation 795438 (VCV000795438.15), dbSNP rs570654786, ClinGen allele CA6232725.